The following is an entry in ClinVar:

NM_000094.4(COL7A1):c.1259C>T (p.Thr420Ile)

Gene: COL7A1 (collagen type VII alpha 1 chain; minus strand). Cytogenetic location: 3p21.31.
Variant type: single nucleotide variant.
Coding change: c.1259C>T on transcript NM_000094.4 (MANE Select); coding-DNA position 1259, C replaced by T.
Protein change: p.Thr420Ile; replaces threonine 420 with isoleucine.
Molecular consequence: missense variant.
Genome position (GRCh38, 1-based): chr3:48,591,996, G>A on the plus strand (C>T on the coding strand, the complement: COL7A1 is on the minus strand). VCF-style: chr3-48591996-G-A. GRCh37 (hg19) VCF-style: chr3-48629429-G-A.
Other names: short protein forms T420I.
Identifiers: ClinVar variation 3621533 (VCV003621533.2).

ClinVar aggregate classification (germline): Uncertain significance (1 of 4 stars; one submission).

gnomAD v4.1: 3 of 1,614,222 alleles (0.00019%); highest among the groups gnomAD compares: Non-Finnish European, 0.00025%; no homozygotes.

Submission:

Labcorp Genetics (formerly Invitae), Labcorp
Classification: Uncertain significance. Last evaluated: 2024-05-04. Review status: criteria provided, single submitter. Criteria: Invitae Variant Classification Sherloc (09022015). Collection method: clinical testing. Allele origin: germline.
Comment: This sequence change replaces threonine, which is neutral and polar, with isoleucine, which is neutral and non-polar, at codon 420 of the COL7A1 protein (p.Thr420Ile). This variant is present in population databases (rs745591383, gnomAD 0.0009%). This variant has not been reported in the literature in individuals affected with COL7A1-related conditions. Advanced modeling of protein sequence and biophysical properties (such as structural, functional, and spatial information, amino acid conservation, physicochemical variation, residue mobility, and thermodynamic stability) performed at Invitae indicates that this missense variant is not expected to disrupt COL7A1 protein function with a negative predictive value of 95%. In summary, the available evidence is currently insufficient to determine the role of this variant in disease. Therefore, it has been classified as a Variant of Uncertain Significance.